The following is an entry in ClinVar:

ClinVar aggregate classification (germline): Uncertain significance (1 of 4 stars; one submission).

Allele frequency attached by ClinVar (database versions not stated): gnomAD 0.00001; gnomAD exomes 0.00001; TOPMed 0.00001.
gnomAD v4.1: 11 of 1,613,950 alleles (0.00068%); highest among the groups gnomAD compares: Middle Eastern, 0.033%; no homozygotes.

Submission:

Labcorp Genetics (formerly Invitae), Labcorp
Classification: Uncertain significance. Last evaluated: 2024-04-08. Review status: criteria provided, single submitter. Criteria: Invitae Variant Classification Sherloc (09022015). Collection method: clinical testing. Allele origin: germline.
Comment: This sequence change replaces alanine, which is neutral and non-polar, with threonine, which is neutral and polar, at codon 425 of the GSN protein (p.Ala425Thr). This variant is present in population databases (no rsID available, gnomAD 0.007%). This variant has not been reported in the literature in individuals affected with GSN-related conditions. Advanced modeling of protein sequence and biophysical properties (such as structural, functional, and spatial information, amino acid conservation, physicochemical variation, residue mobility, and thermodynamic stability) performed at Invitae indicates that this missense variant is not expected to disrupt GSN protein function with a negative predictive value of 80%. In summary, the available evidence is currently insufficient to determine the role of this variant in disease. Therefore, it has been classified as a Variant of Uncertain Significance.

NM_198252.3(GSN):c.1120G>A (p.Ala374Thr)

Gene: GSN (gelsolin; plus strand). Cytogenetic location: 9q33.2.
Variant type: single nucleotide variant.
Coding change: c.1120G>A on transcript NM_198252.3 (MANE Select); coding-DNA position 1120, G replaced by A.
Protein change: p.Ala374Thr; replaces alanine 374 with threonine.
Molecular consequence: missense variant.
Genome position (GRCh38, 1-based): chr9:121,318,809, G>A. VCF-style: chr9-121318809-G-A. GRCh37 (hg19) VCF-style: chr9-124081087-G-A.
Other names: c.1120G>A, p.Ala374Thr (NM_001353061.2, NM_001353062.1, NM_001127662.2 and 10 more transcripts); c.1153G>A, p.Ala385Thr (NM_001353063.2, NM_001353064.2, NM_001353065.2 and 13 more transcripts); c.1273G>A, p.Ala425Thr (NM_000177.5); c.1228G>A, p.Ala410Thr (NM_001127663.2); c.1171G>A, p.Ala391Thr (NM_001258029.2); c.1144G>A, p.Ala382Thr (NM_001258030.2); c.1192G>A, p.Ala398Thr (NM_001353076.2); c.466G>A, p.Ala156Thr (NM_001353078.2); short protein forms A391T, A425T, A156T, A374T, A382T, A385T, A398T, A410T.
Identifiers: ClinVar variation 2886037 (VCV002886037.3), dbSNP rs1301367568, ClinGen allele CA374747712.